The following is an entry in ClinVar:

ClinVar aggregate classification (germline): Uncertain significance. Review status: criteria provided, multiple submitters, no conflicts (2 of 4 stars). 2 submissions from 2 submitters: Uncertain significance (2). Last evaluated 2022-07-19.

Allele frequency attached by ClinVar (database versions not stated): gnomAD exomes 0.00001; TOPMed 0.00001; ExAC 0.00002.
gnomAD v4.1: 4 of 1,613,762 alleles (0.00025%); highest among the groups gnomAD compares: Admixed American, 0.005%; no homozygotes.

Submissions (2):

Labcorp Genetics (formerly Invitae), Labcorp
Classification: Uncertain significance. Last evaluated: 2022-07-19. Review status: criteria provided, single submitter. Criteria: Invitae Variant Classification Sherloc (09022015). Collection method: clinical testing. Allele origin: germline.
Comment: This sequence change replaces lysine, which is basic and polar, with asparagine, which is neutral and polar, at codon 256 of the GRM6 protein (p.Lys256Asn). This variant is present in population databases (rs754758541, gnomAD 0.006%). This variant has not been reported in the literature in individuals affected with GRM6-related conditions. ClinVar contains an entry for this variant (Variation ID: 1522983). Advanced modeling of protein sequence and biophysical properties (such as structural, functional, and spatial information, amino acid conservation, physicochemical variation, residue mobility, and thermodynamic stability) performed at Invitae indicates that this missense variant is not expected to disrupt GRM6 protein function. Algorithms developed to predict the effect of sequence changes on RNA splicing suggest that this variant may create or strengthen a splice site. In summary, the available evidence is currently insufficient to determine the role of this variant in disease. Therefore, it has been classified as a Variant of Uncertain Significance.

Blueprint Genetics
Classification: Uncertain significance. Last evaluated: 2020-02-11. Review status: criteria provided, single submitter. Criteria: ACMG Guidelines, 2015. Collection method: clinical testing. Allele origin: germline.

NM_000843.4(GRM6):c.768G>T (p.Lys256Asn)

Gene: GRM6 (glutamate metabotropic receptor 6; minus strand). Cytogenetic location: 5q35.3.
Variant type: single nucleotide variant.
Coding change: c.768G>T on transcript NM_000843.4 (MANE Select); coding-DNA position 768, G replaced by T.
Protein change: p.Lys256Asn; replaces lysine 256 with asparagine.
Molecular consequence: missense variant.
Genome position (GRCh38, 1-based): chr5:178,991,513, C>A on the plus strand (G>T on the coding strand, the complement: GRM6 is on the minus strand). VCF-style: chr5-178991513-C-A. GRCh37 (hg19) VCF-style: chr5-178418514-C-A.
Other names: short protein forms K256N.
Identifiers: ClinVar variation 1522983 (VCV001522983.4), dbSNP rs754758541, ClinGen allele CA3594354.